The following is an entry in ClinVar:

ClinVar aggregate classification (germline): Uncertain significance. Review status: criteria provided, multiple submitters, no conflicts (2 of 4 stars). 2 submissions from 2 submitters: Uncertain significance (2). Last evaluated 2025-11-25.

Conditions:
Gorlin syndrome. Also called: Basal cell nevus syndrome; Nevoid Basal Cell Carcinoma Syndrome. Identifiers: Orphanet 377, MedGen C0004779, MONDO:0007187.
Hereditary cancer-predisposing syndrome. Also called: Neoplastic Syndromes, Hereditary; Tumor predisposition; Hereditary neoplastic syndrome; Hereditary Cancer Syndrome. Identifiers: Orphanet 140162, MedGen C0027672, MeSH D009386, MONDO:0015356.

Submissions (2):

Labcorp Genetics (formerly Invitae), Labcorp
Classification: Uncertain significance for Gorlin syndrome. Last evaluated: 2025-11-25. Review status: criteria provided, single submitter. Criteria: Invitae Variant Classification Sherloc (09022015). Collection method: clinical testing. Allele origin: germline.
Comment: This sequence change replaces aspartic acid, which is acidic and polar, with valine, which is neutral and non-polar, at codon 857 of the PTCH1 protein (p.Asp857Val). This variant is not present in population databases (gnomAD no frequency). This variant has not been reported in the literature in individuals affected with PTCH1-related conditions. ClinVar contains an entry for this variant (Variation ID: 1793237). Invitae Evidence Modeling of protein sequence and biophysical properties (such as structural, functional, and spatial information, amino acid conservation, physicochemical variation, residue mobility, and thermodynamic stability) indicates that this missense variant is not expected to disrupt PTCH1 protein function with a negative predictive value of 95%. In summary, the available evidence is currently insufficient to determine the role of this variant in disease. Therefore, it has been classified as a Variant of Uncertain Significance.

Ambry Genetics
Classification: Uncertain significance for Hereditary cancer-predisposing syndrome. Last evaluated: 2024-06-27. Review status: criteria provided, single submitter. Criteria: Ambry Variant Classification Scheme 2023. Collection method: clinical testing. Allele origin: germline.
Comment: The p.D857V variant (also known as c.2570A>T), located in coding exon 16 of the PTCH1 gene, results from an A to T substitution at nucleotide position 2570. The aspartic acid at codon 857 is replaced by valine, an amino acid with highly dissimilar properties. This amino acid position is well conserved in available vertebrate species. In addition, the in silico prediction for this alteration is inconclusive. Since supporting evidence is limited at this time, the clinical significance of this alteration remains unclear.

NM_000264.5(PTCH1):c.2570A>T (p.Asp857Val)

Gene: PTCH1 (patched 1; minus strand). Cytogenetic location: 9q22.32.
Variant type: single nucleotide variant.
Coding change: c.2570A>T on transcript NM_000264.5 (MANE Select); coding-DNA position 2570, A replaced by T.
Protein change: p.Asp857Val; replaces aspartic acid 857 with valine.
Molecular consequence: missense variant. On other transcripts: non-coding transcript variant (1).
Genome position (GRCh38, 1-based): chr9:95,461,989, T>A on the plus strand (A>T on the coding strand, the complement: PTCH1 is on the minus strand). VCF-style: chr9-95461989-T-A. GRCh37 (hg19) VCF-style: chr9-98224271-T-A.
Other names: c.2372A>T, p.Asp791Val (NM_001083602.3); c.2567A>T, p.Asp856Val (NM_001083603.3); c.2117A>T, p.Asp706Val (NM_001083604.3, NM_001083605.3, NM_001083606.3 and 1 more transcripts); c.2414A>T, p.Asp805Val (NM_001354918.2); short protein forms D706V, D791V, D805V, D857V, D856V.
Identifiers: ClinVar variation 1793237 (VCV001793237.4), dbSNP rs763119366, ClinGen allele CA374113577.